The following is an entry in ClinVar:

NM_001104631.2(PDE4D):c.499G>T (p.Asp167Tyr)

Gene: PDE4D (phosphodiesterase 4D; minus strand). Cytogenetic location: 5q11.2.
Variant type: single nucleotide variant.
Coding change: c.499G>T on transcript NM_001104631.2 (MANE Select); coding-DNA position 499, G replaced by T.
Protein change: p.Asp167Tyr; replaces aspartic acid 167 with tyrosine.
Molecular consequence: missense variant. On other transcripts: 5 prime UTR variant (3).
Genome position (GRCh38, 1-based): chr5:59,215,925, C>A on the plus strand (G>T on the coding strand, the complement: PDE4D is on the minus strand). VCF-style: chr5-59215925-C-A. GRCh37 (hg19) VCF-style: chr5-58511751-C-A.
Other names: c.316G>T, p.Asp106Tyr (NM_001165899.2, NM_001364599.1, NM_001364600.2); c.307G>T, p.Asp103Tyr (NM_001197218.2, NM_001364601.1, NM_001364602.2); c.133G>T, p.Asp45Tyr (NM_001197219.2); c.109G>T, p.Asp37Tyr (NM_001197220.2); c.286G>T, p.Asp96Tyr (NM_001349241.2); c.169G>T, p.Asp57Tyr (NM_001349242.2); c.-196G>T (NM_001349243.2, NM_001364604.1); c.-452G>T (NM_001364603.1); and 1 more; short protein forms D106Y, D96Y, D167Y, D45Y, D57Y, D103Y, D31Y, D37Y.
Identifiers: ClinVar variation 2215771 (VCV002215771.4), dbSNP rs372954941, ClinGen allele CA3276414.

ClinVar aggregate classification (germline): Uncertain significance. Review status: criteria provided, multiple submitters, no conflicts (2 of 4 stars). 2 submissions from 2 submitters: Uncertain significance (2). Last evaluated 2024-04-29.

Conditions:
Inborn genetic diseases. Identifiers: MedGen C0950123, MeSH D030342.

Allele frequency attached by ClinVar (database versions not stated): ExAC 0.00001; gnomAD 0.00001; gnomAD exomes 0.00001; TOPMed 0.00001; ESP Exome Variant Server 0.00008.
gnomAD v4.1: 10 of 1,613,186 alleles (0.00062%); highest among the groups gnomAD compares: African/African-American, 0.0013%; no homozygotes.

Submissions (2):

Labcorp Genetics (formerly Invitae), Labcorp
Classification: Uncertain significance. Last evaluated: 2024-04-29. Review status: criteria provided, single submitter. Criteria: Invitae Variant Classification Sherloc (09022015). Collection method: clinical testing. Allele origin: germline.
Comment: This sequence change replaces aspartic acid, which is acidic and polar, with tyrosine, which is neutral and polar, at codon 167 of the PDE4D protein (p.Asp167Tyr). This variant is present in population databases (rs372954941, gnomAD 0.0009%). This variant has not been reported in the literature in individuals affected with PDE4D-related conditions. ClinVar contains an entry for this variant (Variation ID: 2215771). Advanced modeling of protein sequence and biophysical properties (such as structural, functional, and spatial information, amino acid conservation, physicochemical variation, residue mobility, and thermodynamic stability) performed at Invitae indicates that this missense variant is expected to disrupt PDE4D protein function with a positive predictive value of 80%. In summary, the available evidence is currently insufficient to determine the role of this variant in disease. Therefore, it has been classified as a Variant of Uncertain Significance.

Ambry Genetics
Classification: Uncertain significance for Inborn genetic diseases. Last evaluated: 2022-08-02. Review status: criteria provided, single submitter. Criteria: Ambry Variant Classification Scheme 2023. Collection method: clinical testing. Allele origin: germline.